The following is an entry in ClinVar:

ClinVar aggregate classification (germline): Uncertain significance. Review status: criteria provided, multiple submitters, no conflicts (2 of 4 stars). 2 submissions from 2 submitters: Uncertain significance (2). Last evaluated 2024-07-03.

Conditions:
Hereditary cancer-predisposing syndrome. Also called: Neoplastic Syndromes, Hereditary; Tumor predisposition; Hereditary neoplastic syndrome; Hereditary Cancer Syndrome. Identifiers: Orphanet 140162, MedGen C0027672, MeSH D009386, MONDO:0015356.

Submissions (2):

Ambry Genetics
Classification: Uncertain significance for Hereditary cancer-predisposing syndrome. Last evaluated: 2024-07-03. Review status: criteria provided, single submitter. Criteria: Ambry Variant Classification Scheme 2023. Collection method: clinical testing. Allele origin: germline.
Comment: The p.L1739P variant (also known as c.5216T>C), located in coding exon 23 of the DICER1 gene, results from a T to C substitution at nucleotide position 5216. The leucine at codon 1739 is replaced by proline, an amino acid with similar properties. This amino acid position is conserved. In addition, this alteration is predicted to be deleterious by in silico analysis. Based on the available evidence, the clinical significance of this variant remains unclear.

PreventionGenetics, part of Exact Sciences
Classification: Uncertain significance. Last evaluated: 2016-08-23. Review status: criteria provided, single submitter. Criteria: ACMG Guidelines, 2015. Collection method: clinical testing. Allele origin: germline.

NM_177438.3(DICER1):c.5216T>C (p.Leu1739Pro)

Gene: DICER1 (dicer 1, ribonuclease III; minus strand). Cytogenetic location: 14q32.13.
Variant type: single nucleotide variant.
Coding change: c.5216T>C on transcript NM_177438.3 (MANE Select); coding-DNA position 5216, T replaced by C.
Protein change: p.Leu1739Pro; replaces leucine 1739 with proline.
Molecular consequence: missense variant.
Genome position (GRCh38, 1-based): chr14:95,094,036, A>G on the plus strand (T>C on the coding strand, the complement: DICER1 is on the minus strand). VCF-style: chr14-95094036-A-G. GRCh37 (hg19) VCF-style: chr14-95560373-A-G.
Other names: c.5216T>C, p.Leu1739Pro (NM_001195573.1, NM_001271282.3, NM_001291628.2 and 1 more transcripts); c.5216T>C (NM_177438.2); short protein forms L1739P.
Identifiers: ClinVar variation 690456 (VCV000690456.3), dbSNP rs1595330453, ClinGen allele CA390865196.